The following is an entry in ClinVar:

NM_000170.3(GLDC):c.871T>G (p.Cys291Gly)

Gene: GLDC (glycine decarboxylase; minus strand). Cytogenetic location: 9p24.1.
Variant type: single nucleotide variant.
Coding change: c.871T>G on transcript NM_000170.3 (MANE Select); coding-DNA position 871, T replaced by G.
Protein change: p.Cys291Gly; replaces cysteine 291 with glycine.
Molecular consequence: missense variant.
Genome position (GRCh38, 1-based): chr9:6,604,775, A>C on the plus strand (T>G on the coding strand, the complement: GLDC is on the minus strand). VCF-style: chr9-6604775-A-C. GRCh37 (hg19) VCF-style: chr9-6604775-A-C.
Other names: p.Cys291Gly; short protein forms C291G.
Identifiers: ClinVar variation 367197 (VCV000367197.48), dbSNP rs141014950, ClinGen allele CA4980931.
Genomic context (GRCh38, chr9:6,604,775, plus strand): 5'-CTACCCCAAATTCTCCAGGTGGCCTCAAGATGCACAAAGCTAAAAGGTCAGTAGCACAGC[A>C]GGCCAGGCTCTAGAAAGGAAGTGAGAGAAAAGGAACAAGGTTGCTACCTTTCCCTGAGAG-3'
Protein context (NP_000161.2, residues 281-301): ERAHQSGSLA[Cys291Gly]CATDLLALCI

ClinVar aggregate classification (germline): Benign/Likely benign. Review status: criteria provided, multiple submitters, no conflicts (2 of 4 stars). 10 submissions from 10 submitters: Benign (6); Likely benign (3). 1 of the submissions does not count toward it. Last evaluated 2026-02-03.

Conditions:
Glycine encephalopathy. Also called: Nonketotic hyperglycinemia; Non-ketotic hyperglycinemia. Identifiers: Orphanet 407, MedGen C0751748, MONDO:0011612, HP:0008288.

Allele frequency attached by ClinVar (database versions not stated): ESP Exome Variant Server 0.00661; 1000 Genomes Project 30x 0.00718; 1000 Genomes Project 0.00739; gnomAD exomes 0.00149; ExAC 0.00202; gnomAD 0.00580; TOPMed 0.00598.
gnomAD v4.1: 1,869 of 1,613,844 alleles (0.12%); highest among the groups gnomAD compares: African/African-American, 2%; 19 homozygotes.

Submissions (10):

Labcorp Genetics (formerly Invitae), Labcorp
Classification: Benign for Glycine encephalopathy. Last evaluated: 2026-02-03. Review status: criteria provided, single submitter. Criteria: Invitae Variant Classification Sherloc (09022015). Collection method: clinical testing. Allele origin: germline.

Athena Diagnostics
Classification: Likely benign. Last evaluated: 2023-11-02. Review status: criteria provided, single submitter. Criteria: Athena Diagnostics Criteria. Collection method: clinical testing. Allele origin: unknown.

CeGaT Center for Human Genetics Tuebingen
Classification: Benign. Last evaluated: 2022-10-01. Review status: criteria provided, single submitter. Criteria: CeGaT Center For Human Genetics Tuebingen Variant Classification Criteria Version 2. Collection method: clinical testing. Allele origin: germline. Affected: yes. Observed: 1 variant allele.
Comment: GLDC: BS1, BS2

Mayo Clinic Laboratories, Mayo Clinic
Classification: Benign. Last evaluated: 2022-08-04. Review status: criteria provided, single submitter. Criteria: ACMG Guidelines, 2015. Collection method: clinical testing. Allele origin: germline. Observed: 3 variant alleles.
Comment: BS1, BS2

Women's Health and Genetics/Laboratory Corporation of America, LabCorp
Classification: Benign. Last evaluated: 2022-03-22. Review status: criteria provided, single submitter. Criteria: LabCorp Variant Classification Summary - May 2015. Collection method: clinical testing. Allele origin: germline.
Comment: Variant summary: GLDC c.871T>G (p.Cys291Gly) results in a non-conservative amino acid change in the encoded protein sequence. Four of five in-silico tools predict a damaging effect of the variant on protein function. The variant allele was found at a frequency of 0.002 in 282690 control chromosomes, predominantly at a frequency of 0.019 within the African or African-American subpopulation in the gnomAD database, including 7 homozygotes. The observed variant frequency within African or African-American control individuals in the gnomAD database is approximately 6 fold of the estimated maximal expected allele frequency for a pathogenic variant in GLDC causing Glycine Encephalopathy (Non-Ketotic Hyperglycinemia) phenotype (0.0031), strongly suggesting that the variant is a benign polymorphism found primarily in populations of African or African-American origin. To our knowledge, no occurrence of c.871T>G in individuals affected with Glycine Encephalopathy (Non-Ketotic Hyperglycinemia) and no experimental evidence demonstrating its impact on protein function have been reported. Five ClinVar submitters (evaluation after 2014) cite the variant as benign (n=4) and likely benign (n=1). Based on the evidence outlined above, the variant was classified as benign.

Fulgent Genetics
Classification: Likely benign for Glycine encephalopathy 1. Last evaluated: 2021-08-03. Review status: criteria provided, single submitter. Criteria: ACMG Guidelines, 2015. Collection method: clinical testing. Allele origin: unknown.

GeneDx
Classification: Benign. Last evaluated: 2019-08-16. Review status: criteria provided, single submitter. Criteria: GeneDx Variant Classification Process June 2021. Collection method: clinical testing. Allele origin: germline. Affected: yes.

Illumina Laboratory Services, Illumina
Classification: Benign for Glycine encephalopathy 1. Last evaluated: 2018-01-13. Review status: criteria provided, single submitter. Criteria: ICSL Variant Classification Criteria 13 December 2019. Collection method: clinical testing. Allele origin: germline.
Comment: This variant was observed in the ICSL laboratory as part of a predisposition screen in an ostensibly healthy population. It had not been previously curated by ICSL or reported in the Human Gene Mutation Database (HGMD: prior to June 1st, 2018), and was therefore a candidate for classification through an automated scoring system. Utilizing variant allele frequency, disease prevalence and penetrance estimates, and inheritance mode, an automated score was calculated to assess if this variant is too frequent to cause the disease. Based on the score and internal cut-off values, a variant classified as benign is not then subjected to further curation. The score for this variant resulted in a classification of benign for this disease.

Breakthrough Genomics
Classification: Likely benign. Review status: criteria provided, single submitter. Criteria: ACMG Guidelines, 2015. Collection method: not provided. Allele origin: germline. Inheritance: Autosomal recessive inheritance. Affected: yes.

Natera, Inc.
Classification: Benign for Non-ketotic hyperglycinemia. Last evaluated: 2019-11-11. Review status: no assertion criteria provided. Collection method: clinical testing. Allele origin: germline. Not counted in ClinVar's aggregate classification.

Literature cited by the submitters: PubMed 24123366 (cited by Athena Diagnostics); PubMed 33524012 (cited by Athena Diagnostics); PubMed 32421718 (cited by Athena Diagnostics).